The following is an entry in ClinVar:

NM_030578.4(B9D2):c.508C>T (p.Arg170Cys)

Gene: B9D2 (B9 domain containing 2; minus strand). Cytogenetic location: 19q13.2.
Variant type: single nucleotide variant.
Coding change: c.508C>T on transcript NM_030578.4 (MANE Select); coding-DNA position 508, C replaced by T.
Protein change: p.Arg170Cys; replaces arginine 170 with cysteine.
Molecular consequence: missense variant.
Genome position (GRCh38, 1-based): chr19:41,354,720, G>A on the plus strand (C>T on the coding strand, the complement: B9D2 is on the minus strand). VCF-style: chr19-41354720-G-A. GRCh37 (hg19) VCF-style: chr19-41860625-G-A.
Other names: short protein forms R170C.
Identifiers: ClinVar variation 2102527 (VCV002102527.3), dbSNP rs371315485, ClinGen allele CA308520287.

ClinVar aggregate classification (germline): Uncertain significance (1 of 4 stars; one submission).

Conditions:
Joubert syndrome. Also called: CEREBELLOPARENCHYMAL DISORDER IV; JOUBERT-BOLTSHAUSER SYNDROME; Familial aplasia of the vermis. Identifiers: Orphanet 475, MedGen C5979921, MONDO:0018772.
Meckel-Gruber syndrome. Also called: DYSENCEPHALIA SPLANCHNOCYSTICA; GRUBER SYNDROME; Dysencephalia splachnocystica. Identifiers: Orphanet 564, MedGen C0265215, MONDO:0018921.

Allele frequency attached by ClinVar (database versions not stated): gnomAD 0.00001; TOPMed 0.00002.
gnomAD v4.1: 89 of 1,613,892 alleles (0.0055%); highest among the groups gnomAD compares: Non-Finnish European, 0.0069%; no homozygotes.

Submission:

Labcorp Genetics (formerly Invitae), Labcorp
Classification: Uncertain significance for Joubert syndrome; Meckel-Gruber syndrome. Last evaluated: 2024-03-15. Review status: criteria provided, single submitter. Criteria: Invitae Variant Classification Sherloc (09022015). Collection method: clinical testing. Allele origin: germline.
Comment: This sequence change replaces arginine, which is basic and polar, with cysteine, which is neutral and slightly polar, at codon 170 of the B9D2 protein (p.Arg170Cys). This variant is not present in population databases (gnomAD no frequency). This variant has not been reported in the literature in individuals affected with B9D2-related conditions. ClinVar contains an entry for this variant (Variation ID: 2102527). An algorithm developed to predict the effect of missense changes on protein structure and function (PolyPhen-2) suggests that this variant is likely to be disruptive. In summary, the available evidence is currently insufficient to determine the role of this variant in disease. Therefore, it has been classified as a Variant of Uncertain Significance.